The following is an entry in ClinVar:

NM_007192.4(SUPT16H):c.809C>G (p.Ala270Gly)

Gene: SUPT16H (SPT16 homolog, facilitates chromatin remodeling subunit; minus strand). Cytogenetic location: 14q11.2.
Variant type: single nucleotide variant.
Coding change: c.809C>G on transcript NM_007192.4 (MANE Select); coding-DNA position 809, C replaced by G.
Protein change: p.Ala270Gly; replaces alanine 270 with glycine.
Molecular consequence: missense variant.
Genome position (GRCh38, 1-based): chr14:21,368,415, G>C on the plus strand (C>G on the coding strand, the complement: SUPT16H is on the minus strand). VCF-style: chr14-21368415-G-C. GRCh37 (hg19) VCF-style: chr14-21836574-G-C.
Other names: short protein forms A270G.
Identifiers: ClinVar variation 3342335 (VCV003342335.1).

ClinVar aggregate classification (germline): Uncertain significance (1 of 4 stars; one submission).

Submission:

GeneDx
Classification: Uncertain significance. Last evaluated: 2023-12-19. Review status: criteria provided, single submitter. Criteria: GeneDx Variant Classification Process June 2021. Collection method: clinical testing. Allele origin: germline. Affected: yes.
Comment: Has not been previously published as pathogenic or benign to our knowledge; In silico analysis supports that this missense variant has a deleterious effect on protein structure/function; Not observed at significant frequency in large population cohorts (gnomAD)